The following is an entry in ClinVar:

NM_213602.3(SIGLEC15):c.771C>T (p.Gly257=)

Genes: EPG5 (ectopic P-granules 5 autophagy tethering factor; minus strand), SIGLEC15 (sialic acid binding Ig like lectin 15; plus strand). Cytogenetic location: 18q12.3.
Variant type: single nucleotide variant.
Coding change: c.771C>T on transcript NM_213602.3 (MANE Select); coding-DNA position 771, C replaced by T.
Protein change: p.Gly257=; no amino-acid change (glycine 257 retained).
Molecular consequence: synonymous variant. On other transcripts: intron variant (1).
Genome position (GRCh38, 1-based): chr18:45,838,992, C>T. VCF-style: chr18-45838992-C-T. GRCh37 (hg19) VCF-style: chr18-43418957-C-T.
Other names: c.7557+16581G>A (NM_001410858.1).
Identifiers: ClinVar variation 4534163 (VCV004534163.6).

ClinVar aggregate classification (germline): Likely benign (1 of 4 stars; one submission).

gnomAD v4.1: 173 of 1,598,138 alleles (0.011%); highest among the groups gnomAD compares: African/African-American, 0.21%; 1 homozygote.

Submission:

CeGaT Center for Human Genetics Tuebingen
Classification: Likely benign. Last evaluated: 2025-11-01. Review status: criteria provided, single submitter. Criteria: CeGaT Center For Human Genetics Tuebingen Variant Classification Criteria Version 2. Collection method: clinical testing. Allele origin: germline. Affected: yes. Observed: 1 variant allele.
Comment: SIGLEC15: BP4, BP7